The following is an entry in ClinVar:

ClinVar aggregate classification (germline): Uncertain significance. Review status: criteria provided, multiple submitters, no conflicts (2 of 4 stars). 2 submissions from 2 submitters: Uncertain significance (2). Last evaluated 2023-10-04.

Conditions:
Inborn genetic diseases. Identifiers: MedGen C0950123, MeSH D030342.

Allele frequency attached by ClinVar (database versions not stated): gnomAD 0.00002; TOPMed 0.00002; ExAC 0.00003; gnomAD exomes 0.00005.
gnomAD v4.1: 74 of 1,614,050 alleles (0.0046%); highest among the groups gnomAD compares: Non-Finnish European, 0.0057%; no homozygotes.

Submissions (2):

Labcorp Genetics (formerly Invitae), Labcorp
Classification: Uncertain significance. Last evaluated: 2023-10-04. Review status: criteria provided, single submitter. Criteria: Invitae Variant Classification Sherloc (09022015). Collection method: clinical testing. Allele origin: germline.
Comment: This sequence change replaces valine, which is neutral and non-polar, with methionine, which is neutral and non-polar, at codon 946 of the ADAMTS17 protein (p.Val946Met). This variant is present in population databases (rs748962754, gnomAD 0.004%). This variant has not been reported in the literature in individuals affected with ADAMTS17-related conditions. ClinVar contains an entry for this variant (Variation ID: 2068274). An algorithm developed to predict the effect of missense changes on protein structure and function (PolyPhen-2) suggests that this variant is likely to be disruptive. In summary, the available evidence is currently insufficient to determine the role of this variant in disease. Therefore, it has been classified as a Variant of Uncertain Significance.

Ambry Genetics
Classification: Uncertain significance for Inborn genetic diseases. Last evaluated: 2021-07-20. Review status: criteria provided, single submitter. Criteria: Ambry Variant Classification Scheme 2023. Collection method: clinical testing. Allele origin: germline.

NM_139057.4(ADAMTS17):c.2836G>A (p.Val946Met)

Gene: ADAMTS17 (ADAM metallopeptidase with thrombospondin type 1 motif 17; minus strand). Cytogenetic location: 15q26.3.
Variant type: single nucleotide variant.
Coding change: c.2836G>A on transcript NM_139057.4 (MANE Select); coding-DNA position 2836, G replaced by A.
Protein change: p.Val946Met; replaces valine 946 with methionine.
Molecular consequence: missense variant.
Genome position (GRCh38, 1-based): chr15:99,993,161, C>T on the plus strand (G>A on the coding strand, the complement: ADAMTS17 is on the minus strand). VCF-style: chr15-99993161-C-T. GRCh37 (hg19) VCF-style: chr15-100533366-C-T.
Other names: short protein forms V946M.
Identifiers: ClinVar variation 2068274 (VCV002068274.3), dbSNP rs748962754, ClinGen allele CA7757552.